The following is an entry in ClinVar:

NM_014159.7(SETD2):c.1105T>C (p.Ser369Pro)

Gene: SETD2 (SET domain containing 2, histone lysine methyltransferase; minus strand). Cytogenetic location: 3p21.31.
Variant type: single nucleotide variant.
Coding change: c.1105T>C on transcript NM_014159.7 (MANE Select); coding-DNA position 1105, T replaced by C.
Protein change: p.Ser369Pro; replaces serine 369 with proline.
Molecular consequence: missense variant. On other transcripts: non-coding transcript variant (1).
Genome position (GRCh38, 1-based): chr3:47,123,531, A>G on the plus strand (T>C on the coding strand, the complement: SETD2 is on the minus strand). VCF-style: chr3-47123531-A-G. GRCh37 (hg19) VCF-style: chr3-47165021-A-G.
Other names: c.973T>C, p.Ser325Pro (NM_001349370.3); short protein forms S325P, S369P.
Identifiers: ClinVar variation 1305392 (VCV001305392.2), dbSNP rs2106706031, ClinGen allele CA352532027.
Genomic context (GRCh38, chr3:47,123,531, plus strand): 5'-ACCGAGTATCTCTTTCAAGTTTTGAATAGCTAAAATATTTATCATCTCTGTCTGTTTTAG[A>G]TCGTGAAGGTTTCCCTAGATCCTCACTTTTTAAAGGTGCTGAGCTCTTTTTAAAATCTCT-3'
Protein context (NP_054878.5, residues 359-379): KSEDLGKPSR[Ser369Pro]KTDRDDKYFS

ClinVar aggregate classification (germline): Uncertain significance (1 of 4 stars; one submission).

Submission:

GeneDx
Classification: Uncertain significance. Last evaluated: 2019-10-01. Review status: criteria provided, single submitter. Criteria: GeneDx Variant Classification Process June 2021. Collection method: clinical testing. Allele origin: germline. Affected: yes.
Comment: Not observed in large population cohorts (Lek et al., 2016); In silico analysis, which includes protein predictors and evolutionary conservation, supports a deleterious effect; Has not been previously published as pathogenic or benign to our knowledge